The following is an entry in ClinVar:

NM_022455.5(NSD1):c.6951C>G (p.Asp2317Glu)

Gene: NSD1 (nuclear receptor binding SET domain protein 1; plus strand). Cytogenetic location: 5q35.3.
Variant type: single nucleotide variant.
Coding change: c.6951C>G on transcript NM_022455.5 (MANE Select); coding-DNA position 6951, C replaced by G.
Protein change: p.Asp2317Glu; replaces aspartic acid 2317 with glutamic acid.
Molecular consequence: missense variant.
Genome position (GRCh38, 1-based): chr5:177,294,319, C>G. VCF-style: chr5-177294319-C-G. GRCh37 (hg19) VCF-style: chr5-176721320-C-G.
Other names: c.6078C>G, p.Asp2026Glu (NM_001365684.2, NM_001409308.1, NM_172349.5); c.6951C>G, p.Asp2317Glu (NM_001409301.1, NM_001409302.1, NM_001409303.1); c.6531C>G, p.Asp2177Glu (NM_001409304.1); c.6198C>G, p.Asp2066Glu (NM_001409305.1); c.6189C>G, p.Asp2063Glu (NM_001409306.1, NM_001409307.1); c.5829C>G, p.Asp1943Glu (NM_001409309.1); short protein forms D1943E, D2026E, D2063E, D2317E, D2066E, D2177E.
Identifiers: ClinVar variation 3922003 (VCV003922003.2).

ClinVar aggregate classification (germline): Uncertain significance. Review status: criteria provided, multiple submitters, no conflicts (2 of 4 stars). 2 submissions from 2 submitters: Uncertain significance (2). Last evaluated 2025-09-15.

Conditions:
Inborn genetic diseases. Identifiers: MedGen C0950123, MeSH D030342.

gnomAD v4.1: 1 of 1,614,198 alleles (0.000062%); highest among the groups gnomAD compares: African/African-American, 0.0013%; no homozygotes.

Submissions (2):

Labcorp Genetics (formerly Invitae), Labcorp
Classification: Uncertain significance. Last evaluated: 2025-09-15. Review status: criteria provided, single submitter. Criteria: Invitae Variant Classification Sherloc (09022015). Collection method: clinical testing. Allele origin: germline.
Comment: This sequence change replaces aspartic acid, which is acidic and polar, with glutamic acid, which is acidic and polar, at codon 2317 of the NSD1 protein (p.Asp2317Glu). This variant is not present in population databases (gnomAD no frequency). This variant has not been reported in the literature in individuals affected with NSD1-related conditions. ClinVar contains an entry for this variant (Variation ID: 3922003). Invitae Evidence Modeling of protein sequence and biophysical properties (such as structural, functional, and spatial information, amino acid conservation, physicochemical variation, residue mobility, and thermodynamic stability) indicates that this missense variant is not expected to disrupt NSD1 protein function with a negative predictive value of 95%. In summary, the available evidence is currently insufficient to determine the role of this variant in disease. Therefore, it has been classified as a Variant of Uncertain Significance.

Ambry Genetics
Classification: Uncertain significance for Inborn genetic diseases. Last evaluated: 2025-03-27. Review status: criteria provided, single submitter. Criteria: Ambry Variant Classification Scheme 2023. Collection method: clinical testing. Allele origin: germline.